The following is an entry in ClinVar:

ClinVar aggregate classification (germline): Likely benign (1 of 4 stars; one submission).

gnomAD v4.1: 8 of 1,614,024 alleles (0.0005%); highest among the groups gnomAD compares: East Asian, 0.0022%; no homozygotes.

Submission:

CeGaT Center for Human Genetics Tuebingen
Classification: Likely benign. Last evaluated: 2026-04-01. Review status: criteria provided, single submitter. Criteria: CeGaT Center For Human Genetics Tuebingen Variant Classification Criteria Version 2. Collection method: clinical testing. Allele origin: germline. Affected: yes. Observed: 1 variant allele.
Comment: TRIO: BP4, BP7

NM_007118.4(TRIO):c.1926C>T (p.Pro642=)

Gene: TRIO (trio Rho guanine nucleotide exchange factor; plus strand). Cytogenetic location: 5p15.2.
Variant type: single nucleotide variant.
Coding change: c.1926C>T on transcript NM_007118.4 (MANE Select); coding-DNA position 1926, C replaced by T.
Protein change: p.Pro642=; no amino-acid change (proline 642 retained).
Molecular consequence: synonymous variant. On other transcripts: non-coding transcript variant (1).
Genome position (GRCh38, 1-based): chr5:14,336,607, C>T. VCF-style: chr5-14336607-C-T. GRCh37 (hg19) VCF-style: chr5-14336716-C-T.
Identifiers: ClinVar variation 4872147 (VCV004872147.2).